The following is an entry in ClinVar:

NM_016335.6(PRODH):c.1763G>A (p.Arg588Lys)

Gene: PRODH (proline dehydrogenase 1; minus strand). Cytogenetic location: 22q11.21.
Variant type: single nucleotide variant.
Coding change: c.1763G>A on transcript NM_016335.6 (MANE Select); coding-DNA position 1763, G replaced by A.
Protein change: p.Arg588Lys; replaces arginine 588 with lysine.
Molecular consequence: missense variant.
Genome position (GRCh38, 1-based): chr22:18,913,215, C>T on the plus strand (G>A on the coding strand, the complement: PRODH is on the minus strand). VCF-style: chr22-18913215-C-T. GRCh37 (hg19) VCF-style: chr22-18900728-C-T.
Other names: c.1439G>A, p.Arg480Lys (NM_001195226.2); short protein forms R480K, R588K.
Identifiers: ClinVar variation 1036595 (VCV001036595.7), dbSNP rs1239323884, ClinGen allele CA410637638.

ClinVar aggregate classification (germline): Uncertain significance. Review status: criteria provided, multiple submitters, no conflicts (2 of 4 stars). 2 submissions from 2 submitters: Uncertain significance (2). Last evaluated 2022-04-12.

Conditions:
Proline dehydrogenase deficiency (HYRPRO1). Also called: PROLINE OXIDASE DEFICIENCY; Hyperprolinemia type 1. Identifiers: Orphanet 419, MedGen C0268529, MONDO:0009400, OMIM 239500.
Schizophrenia 4 (SCZD4). Also called: SCHIZOPHRENIA, SUSCEPTIBILITY TO, 4; SCHIZOPHRENIA SUSCEPTIBILITY LOCUS, CHROMOSOME 22q11-RELATED. Identifiers: MedGen C1833247, MONDO:0010943, OMIM 600850.

Allele frequency attached by ClinVar (database versions not stated): gnomAD exomes 0.00002.

Submissions (2):

Labcorp Genetics (formerly Invitae), Labcorp
Classification: Uncertain significance for Proline dehydrogenase deficiency. Last evaluated: 2022-04-12. Review status: criteria provided, single submitter. Criteria: Invitae Variant Classification Sherloc (09022015). Collection method: clinical testing. Allele origin: germline.
Comment: This sequence change replaces arginine, which is basic and polar, with lysine, which is basic and polar, at codon 588 of the PRODH protein (p.Arg588Lys). This variant is present in population databases (no rsID available, gnomAD 0.01%). This variant has not been reported in the literature in individuals affected with PRODH-related conditions. ClinVar contains an entry for this variant (Variation ID: 1036595). Algorithms developed to predict the effect of missense changes on protein structure and function are either unavailable or do not agree on the potential impact of this missense change (SIFT: "Tolerated"; PolyPhen-2: "Possibly Damaging"; Align-GVGD: "Class C0"). In summary, the available evidence is currently insufficient to determine the role of this variant in disease. Therefore, it has been classified as a Variant of Uncertain Significance.

Fulgent Genetics
Classification: Uncertain significance for Proline dehydrogenase deficiency; Schizophrenia 4. Last evaluated: 2021-12-10. Review status: criteria provided, single submitter. Criteria: ACMG Guidelines, 2015. Collection method: clinical testing. Allele origin: unknown.